The following is an entry in ClinVar:

NM_000179.3(MSH6):c.1940T>C (p.Leu647Pro)

Gene: MSH6 (mutS homolog 6; plus strand). Cytogenetic location: 2p16.3.
Variant type: single nucleotide variant.
Coding change: c.1940T>C on transcript NM_000179.3 (MANE Select); coding-DNA position 1940, T replaced by C.
Protein change: p.Leu647Pro; replaces leucine 647 with proline.
Molecular consequence: missense variant. On other transcripts: non-coding transcript variant (5), intron variant (2).
Genome position (GRCh38, 1-based): chr2:47,799,923, T>C. VCF-style: chr2-47799923-T-C. GRCh37 (hg19) VCF-style: chr2-48027062-T-C.
Other names: c.1034T>C, p.Leu345Pro (NM_001406816.1, NM_001406823.1, NM_001406811.1 and 6 more transcripts); c.1643T>C, p.Leu548Pro (NM_001406818.1, NM_001406819.1, NM_001406820.1 and 10 more transcripts); c.1772T>C, p.Leu591Pro (NM_001406826.1); c.1415T>C, p.Leu472Pro (NM_001406806.1, NM_001406807.1, NM_001406799.1); c.1940T>C, p.Leu647Pro (NM_001406808.1, NM_001406809.1, NM_001406796.1 and 3 more transcripts); c.1946T>C, p.Leu649Pro (NM_001406813.1); c.1550T>C, p.Leu517Pro (NM_001281492.2); c.2036T>C, p.Leu679Pro (NM_001406795.1, NM_001406802.1); and 3 more; short protein forms L472P, L548P, L647P, L621P, L649P, L345P, L517P, L591P.
Identifiers: ClinVar variation 2760506 (VCV002760506.3), dbSNP rs1669396442, ClinGen allele CA346750463.

ClinVar aggregate classification (germline): Uncertain significance (1 of 4 stars; one submission).

Conditions:
Hereditary nonpolyposis colorectal neoplasms. Identifiers: MedGen C0009405, MeSH D003123.

Submission:

Labcorp Genetics (formerly Invitae), Labcorp
Classification: Uncertain significance for Hereditary nonpolyposis colorectal neoplasms. Last evaluated: 2024-03-06. Review status: criteria provided, single submitter. Criteria: Invitae Variant Classification Sherloc (09022015). Collection method: clinical testing. Allele origin: germline.
Comment: This sequence change replaces leucine, which is neutral and non-polar, with proline, which is neutral and non-polar, at codon 647 of the MSH6 protein (p.Leu647Pro). This variant is not present in population databases (gnomAD no frequency). This variant has not been reported in the literature in individuals affected with MSH6-related conditions. Advanced modeling of protein sequence and biophysical properties (such as structural, functional, and spatial information, amino acid conservation, physicochemical variation, residue mobility, and thermodynamic stability) performed at Invitae indicates that this missense variant is not expected to disrupt MSH6 protein function with a negative predictive value of 95%. In summary, the available evidence is currently insufficient to determine the role of this variant in disease. Therefore, it has been classified as a Variant of Uncertain Significance.